The following is an entry in ClinVar:

NM_003072.5(SMARCA4):c.3775-3C>A

Gene: SMARCA4 (SWI/SNF related BAF chromatin remodeling complex subunit ATPase 4; plus strand). Cytogenetic location: 19p13.2.
Variant type: single nucleotide variant.
Coding change: c.3775-3C>A on transcript NM_003072.5 (MANE Select); 3 bases into the intron before coding-DNA position 3775, C replaced by A.
Molecular consequence: intron variant.
Genome position (GRCh38, 1-based): chr19:11,033,764, C>A. VCF-style: chr19-11033764-C-A. GRCh37 (hg19) VCF-style: chr19-11144440-C-A.
Other names: c.3775-3C>A (NM_001128844.3, NM_001128849.3, NM_001387283.1); c.3774+247C>A (NM_001128847.4, NM_001374457.1, NM_001128845.2 and 2 more transcripts).
Identifiers: ClinVar variation 1370064 (VCV001370064.6), dbSNP rs376039891, ClinGen allele CA2573155692.

ClinVar aggregate classification (germline): Uncertain significance (1 of 4 stars; one submission).

Conditions:
Rhabdoid tumor predisposition syndrome 2 (RTPS2). Identifiers: Orphanet 231108, Orphanet 69077, MedGen C2750074, MONDO:0013224, OMIM 613325.

Submission:

Labcorp Genetics (formerly Invitae), Labcorp
Classification: Uncertain significance for Rhabdoid tumor predisposition syndrome 2. Last evaluated: 2021-02-05. Review status: criteria provided, single submitter. Criteria: Invitae Variant Classification Sherloc (09022015). Collection method: clinical testing. Allele origin: germline.
Comment: This sequence change falls in intron 26 of the SMARCA4 gene. It does not directly change the encoded amino acid sequence of the SMARCA4 protein. It affects a nucleotide within the consensus splice site of the intron. This variant is not present in population databases (ExAC no frequency). This variant has not been reported in the literature in individuals with SMARCA4-related conditions. Nucleotide substitutions within the consensus splice site are a relatively common cause of aberrant splicing (PMID: 17576681, 9536098). Algorithms developed to predict the effect of sequence changes on RNA splicing suggest that this variant may disrupt the consensus splice site, but this prediction has not been confirmed by published transcriptional studies. In summary, the available evidence is currently insufficient to determine the role of this variant in disease. Therefore, it has been classified as a Variant of Uncertain Significance.

Literature cited by the submitters: PubMed 17576681; PubMed 9536098.